The following is an entry in ClinVar:

ClinVar aggregate classification (germline): Conflicting classifications of pathogenicity. Review status: criteria provided, conflicting classifications (1 of 4 stars). 3 submissions from 3 submitters: Uncertain significance (2); Likely benign (1). Last evaluated 2026-04-07.

Conditions:
Catecholaminergic polymorphic ventricular tachycardia 1. Also called: VENTRICULAR TACHYCARDIA, CATECHOLAMINERGIC POLYMORPHIC, 1, WITH OR WITHOUT ATRIAL DYSFUNCTION AND/OR DILATED CARDIOMYOPATHY; RYR2-Related Catecholaminergic Polymorphic Ventricular Tachycardia; VENTRICULAR TACHYCARDIA, STRESS-INDUCED POLYMORPHIC 1. Identifiers: Orphanet 3286, MedGen C1631597, MONDO:0011484, OMIM 604772.

Allele frequency attached by ClinVar (database versions not stated): gnomAD exomes below 0.00001.
gnomAD v4.1: 2 of 1,613,426 alleles (0.00012%); highest among the groups gnomAD compares: Non-Finnish European, 0.00017%; no homozygotes.

Submissions (3):

Centre for Medical Genetics,  Mumbai
Classification: Likely benign for Catecholaminergic polymorphic ventricular tachycardia 1. Last evaluated: 2026-04-07. Review status: criteria provided, single submitter. Criteria: ACMG Guidelines, 2015. Collection method: provider interpretation. Allele origin: germline. Inheritance: Autosomal dominant inheritance. Affected: no. Observed: 1 variant allele, 1 homozygote.
Comment: The variant satisfies PM2 criteria - extremely low frequency in gnomAD population databases. The variant satisfies PP2 criteria - missense variant in a gene with low rate of benign missense mutations and for which missense mutation is a common mechanism of a disease. However, the variant satisfies BS2 criteria - present in homozygous state in an individual that clinically does not have ventricular tachycardia, catecholaminergic polymorphic, 1.

GeneDx
Classification: Uncertain significance. Last evaluated: 2025-07-10. Review status: criteria provided, single submitter. Criteria: GeneDx Variant Classification Process June 2021. Collection method: clinical testing. Allele origin: germline. Affected: yes.
Comment: Not observed at significant frequency in large population cohorts (gnomAD); In silico analysis supports that this missense variant has a deleterious effect on protein structure/function; Has not been previously published as pathogenic or benign to our knowledge; Not located in one of the three hot-spot regions of the RYR2 gene, where the majority of pathogenic missense variants occur (PMID: 19926015); This variant is associated with the following publications: (PMID: 19926015)

Labcorp Genetics (formerly Invitae), Labcorp
Classification: Uncertain significance for Catecholaminergic polymorphic ventricular tachycardia 1. Last evaluated: 2025-02-05. Review status: criteria provided, single submitter. Criteria: Invitae Variant Classification Sherloc (09022015). Collection method: clinical testing. Allele origin: germline.
Comment: This sequence change replaces asparagine, which is neutral and polar, with serine, which is neutral and polar, at codon 1523 of the RYR2 protein (p.Asn1523Ser). This variant is present in population databases (no rsID available, gnomAD 0.0009%). This variant has not been reported in the literature in individuals affected with RYR2-related conditions. ClinVar contains an entry for this variant (Variation ID: 2790620). Invitae Evidence Modeling of protein sequence and biophysical properties (such as structural, functional, and spatial information, amino acid conservation, physicochemical variation, residue mobility, and thermodynamic stability) indicates that this missense variant is not expected to disrupt RYR2 protein function with a negative predictive value of 95%. In summary, the available evidence is currently insufficient to determine the role of this variant in disease. Therefore, it has been classified as a Variant of Uncertain Significance.

Literature cited by the submitters: PubMed 11208676 (cited by Centre for Medical Genetics,  Mumbai).

NM_001035.3(RYR2):c.4568A>G (p.Asn1523Ser)

Gene: RYR2 (ryanodine receptor 2; plus strand). Cytogenetic location: 1q43.
Variant type: single nucleotide variant.
Coding change: c.4568A>G on transcript NM_001035.3 (MANE Select); coding-DNA position 4568, A replaced by G.
Protein change: p.Asn1523Ser; replaces asparagine 1523 with serine.
Molecular consequence: missense variant.
Genome position (GRCh38, 1-based): chr1:237,595,629, A>G. VCF-style: chr1-237595629-A-G. GRCh37 (hg19) VCF-style: chr1-237758929-A-G.
Other names: c.4568A>G (NM_001035.2); short protein forms N1523S.
Identifiers: ClinVar variation 2790620 (VCV002790620.5), dbSNP rs1241445765, ClinGen allele CA345400648.